The following is an entry in ClinVar:

NM_001853.4(COL9A3):c.1340A>T (p.Asp447Val)

Gene: COL9A3 (collagen type IX alpha 3 chain; plus strand). Cytogenetic location: 20q13.33.
Variant type: single nucleotide variant.
Coding change: c.1340A>T on transcript NM_001853.4 (MANE Select); coding-DNA position 1340, A replaced by T.
Protein change: p.Asp447Val; replaces aspartic acid 447 with valine.
Molecular consequence: missense variant.
Genome position (GRCh38, 1-based): chr20:62,833,036, A>T. VCF-style: chr20-62833036-A-T. GRCh37 (hg19) VCF-style: chr20-61464388-A-T.
Other names: short protein forms D447V.
Identifiers: ClinVar variation 2984588 (VCV002984588.3), dbSNP rs774094930, ClinGen allele CA9949912.

ClinVar aggregate classification (germline): Uncertain significance (1 of 4 stars; one submission).

Allele frequency attached by ClinVar (database versions not stated): gnomAD exomes 0.00001; ExAC 0.00001.
gnomAD v4.1: 7 of 1,613,860 alleles (0.00043%); highest among the groups gnomAD compares: Non-Finnish European, 0.00059%; no homozygotes.

Submission:

Labcorp Genetics (formerly Invitae), Labcorp
Classification: Uncertain significance. Last evaluated: 2025-01-27. Review status: criteria provided, single submitter. Criteria: Invitae Variant Classification Sherloc (09022015). Collection method: clinical testing. Allele origin: germline.
Comment: This sequence change replaces aspartic acid, which is acidic and polar, with valine, which is neutral and non-polar, at codon 447 of the COL9A3 protein (p.Asp447Val). This variant is present in population databases (rs774094930, gnomAD 0.002%). This variant has not been reported in the literature in individuals affected with COL9A3-related conditions. ClinVar contains an entry for this variant (Variation ID: 2984588). Invitae Evidence Modeling of protein sequence and biophysical properties (such as structural, functional, and spatial information, amino acid conservation, physicochemical variation, residue mobility, and thermodynamic stability) indicates that this missense variant is not expected to disrupt COL9A3 protein function with a negative predictive value of 95%. In summary, the available evidence is currently insufficient to determine the role of this variant in disease. Therefore, it has been classified as a Variant of Uncertain Significance.